The following is an entry in ClinVar:

NM_153212.3(GJB4):c.148G>A (p.Asp50Asn)

Gene: GJB4 (gap junction protein beta 4; plus strand). Cytogenetic location: 1p34.3.
Variant type: single nucleotide variant.
Coding change: c.148G>A on transcript NM_153212.3 (MANE Select); coding-DNA position 148, G replaced by A.
Protein change: p.Asp50Asn; replaces aspartic acid 50 with asparagine.
Molecular consequence: missense variant.
Genome position (GRCh38, 1-based): chr1:34,761,402, G>A. VCF-style: chr1-34761402-G-A. GRCh37 (hg19) VCF-style: chr1-35227003-G-A.
Other names: short protein forms D50N.
Identifiers: ClinVar variation 5017149 (VCV005017149.1).

ClinVar aggregate classification (germline): Uncertain significance (1 of 4 stars; one submission).

Submission:

GeneDx
Classification: Uncertain significance. Last evaluated: 2026-03-25. Review status: criteria provided, single submitter. Criteria: GeneDx Variant Classification Process June 2021. Collection method: clinical testing. Allele origin: germline.
Comment: Not observed at significant frequency in large population cohorts (gnomAD); In silico analysis supports that this missense variant has a deleterious effect on protein structure/function; Has not been previously published as pathogenic or benign to our knowledge